The following is an entry in ClinVar:

NM_000135.4(FANCA):c.494C>T (p.Ser165Phe)

Gene: FANCA (FA complementation group A; minus strand). Cytogenetic location: 16q24.3.
Variant type: single nucleotide variant.
Coding change: c.494C>T on transcript NM_000135.4 (MANE Select); coding-DNA position 494, C replaced by T.
Protein change: p.Ser165Phe; replaces serine 165 with phenylalanine.
Molecular consequence: missense variant. On other transcripts: intron variant (1).
Genome position (GRCh38, 1-based): chr16:89,810,735, G>A on the plus strand (C>T on the coding strand, the complement: FANCA is on the minus strand). VCF-style: chr16-89810735-G-A. GRCh37 (hg19) VCF-style: chr16-89877143-G-A.
Other names: c.494C>T, p.Ser165Phe (NM_001018112.3, NM_001286167.3); c.426+194C>T (NM_001351830.2); short protein forms S165F.
Identifiers: ClinVar variation 1184714 (VCV001184714.3), dbSNP rs141918444, ClinGen allele CA8252992.

ClinVar aggregate classification (germline): Uncertain significance. Review status: criteria provided, multiple submitters, no conflicts (2 of 4 stars). 2 submissions from 2 submitters: Uncertain significance (2). Last evaluated 2025-12-22.

Conditions:
Fanconi anemia (FA). Also called: Fanconi's anemia. Identifiers: Orphanet 84, MedGen C0015625, MeSH D005199, MONDO:0019391.
Inborn genetic diseases. Identifiers: MedGen C0950123, MeSH D030342.

Allele frequency attached by ClinVar (database versions not stated): gnomAD exomes below 0.00001; ExAC 0.00001; ESP Exome Variant Server 0.00008.

Submissions (2):

Ambry Genetics
Classification: Uncertain significance for Inborn genetic diseases. Last evaluated: 2025-12-22. Review status: criteria provided, single submitter. Criteria: Ambry Variant Classification Scheme 2023. Collection method: clinical testing. Allele origin: germline.
Comment: The p.S165F variant (also known as c.494C>T), located in coding exon 5 of the FANCA gene, results from a C to T substitution at nucleotide position 494. The serine at codon 165 is replaced by phenylalanine, an amino acid with highly dissimilar properties. This amino acid position is conserved. In addition, this alteration is predicted to be tolerated by in silico analysis. Based on the available evidence, the clinical significance of this variant remains unclear.

St. Jude Molecular Pathology, St. Jude Children's Research Hospital
Classification: Uncertain significance for Fanconi anemia. Last evaluated: 2021-06-24. Review status: criteria provided, single submitter. Criteria: St. Jude Assertion Criteria 2020. Collection method: clinical testing. Allele origin: germline.
Comment: The FANCA c.494C>T (p.Ser165Phe) missense change has a maximum subpopulation frequency of 0.00088% in gnomAD v2.1.1 (PM2_Supporting). Seven of seven in silico tools predict a benign effect of this variant on protein function (BP4), but to our knowledge these predictions have not been confirmed by functional studies. To our knowledge, this variant has not been reported in individuals with Fanconi anemia. In summary, this variant meets criteria to be classified as of uncertain significance based on the ACMG/AMP criteria: PM2_Supporting, BP4.